The following is an entry in ClinVar:

NM_000516.7(GNAS):c.1A>T (p.Met1Leu)

Gene: GNAS (GNAS complex locus; plus strand). Cytogenetic location: 20q13.32.
Variant type: single nucleotide variant.
Coding change: c.1A>T on transcript NM_000516.7 (MANE Select); coding-DNA position 1, A replaced by T.
Protein change: p.Met1Leu; changes the start codon (methionine 1).
Molecular consequence: missense variant, initiator codon variant. On other transcripts: intron variant (6).
Genome position (GRCh38, 1-based): chr20:58,891,727, A>T. VCF-style: chr20-58891727-A-T. GRCh37 (hg19) VCF-style: chr20-57466782-A-T.
Other names: c.1A>T, p.Met1Leu (NM_001077488.5, NM_001077489.4, NM_001309842.2 and 1 more transcripts); c.*43-3885A>T (NM_016592.5); c.-38-3885A>T (NM_001309861.2); c.*1-3885A>T (NM_001077490.3); c.2069-3885A>T (NM_080425.4); c.*159-3885A>T (NM_001309883.1); c.-39+2374A>T (NM_001309840.2); short protein forms M1L.
Identifiers: ClinVar variation 419339 (VCV000419339.15), dbSNP rs137854530, ClinGen allele CA16620942.

ClinVar aggregate classification (germline): Pathogenic. Review status: criteria provided, multiple submitters, no conflicts (2 of 4 stars). 4 submissions from 4 submitters: Pathogenic (4). Last evaluated 2023-07-26.

Conditions:
GNAS-related disorder. Identifiers: MedGen CN380105.

Submissions (4):

Labcorp Genetics (formerly Invitae), Labcorp
Classification: Pathogenic. Last evaluated: 2023-07-26. Review status: criteria provided, single submitter. Criteria: Invitae Variant Classification Sherloc (09022015). Collection method: clinical testing. Allele origin: germline.
Comment: Algorithms developed to predict the effect of variants on protein structure and function are not available or were not evaluated for this variant. Experimental studies have shown that disruption of the initiator codon affects GNAS function (PMID: 21713996). For these reasons, this variant has been classified as Pathogenic. ClinVar contains an entry for this variant (Variation ID: 419339). This sequence change affects the initiator methionine of the GNAS mRNA. The next in-frame methionine is located at codon 60. This variant is not present in population databases (gnomAD no frequency). Disruption of the initiator codon has been observed in individual(s) with GNAS-related conditions (PMID: 21713996). In at least one individual the variant was observed to be de novo.

Revvity Omics, Revvity
Classification: Pathogenic. Last evaluated: 2020-02-26. Review status: criteria provided, single submitter. Criteria: ACMG Guidelines, 2015. Collection method: clinical testing. Allele origin: germline.

Blueprint Genetics
Classification: Pathogenic for GNAS-related disorders. Last evaluated: 2019-11-04. Review status: criteria provided, single submitter. Criteria: ACMG Guidelines, 2015. Collection method: clinical testing. Allele origin: germline. Affected: yes. Observed: 1 variant allele.

GeneDx
Classification: Pathogenic. Last evaluated: 2015-07-21. Review status: criteria provided, single submitter. Criteria: GeneDx Variant Classification (06012015). Collection method: clinical testing. Allele origin: germline. Affected: yes.
Comment: The c.1 A>T variant in the GNAS gene has not been reported previously as a pathogenic variant nor as a benign polymorphism, to our knowledge. The c.1 A>T substitution alters the initiatorMethionine codon, and the resultant protein would be described as p.Met1? using a question mark tosignify that it is not known if the loss of Met1 means that all protein translation is completely prevented orif an abnormal protein is produced using an alternate Methionine. The c.1 A>T variant was not observedin approximately 6400 individuals of European and African American ancestry in the NHLBI ExomeSequencing Project, indicating it is not a common benign variant in these populations. Missense variantsin involving the same residue (M1V, M1R, M1I) have been reported in the Human Gene MutationDatabase in association with Albright Hereditary Osteodystrophy (Stenson et al., 2014), supporting thefunctional importance of this region of the protein. Additionally, functional characterization of a similarsubstitution (M1I) at the initiation codon resulted in a protein that is truncated by 59 amino acids at the Nterminus (Puzhko et al., 2011). We interpret c.1 A>T as a pathogenic variant.

Literature cited by the submitters: PubMed 21713996 (cited by Labcorp Genetics (formerly Invitae), Labcorp).